The following is an entry in ClinVar:

ClinVar aggregate classification (germline): Likely benign (1 of 4 stars; one submission).

Conditions:
Retinoblastoma (RB1). Also called: RETINOBLASTOMA, SOMATIC. Identifiers: Orphanet 790, MedGen C0035335, MeSH D012175, MONDO:0008380, OMIM 180200, HP:0009919. Disease mechanism: loss of function. Inheritance: Both sporadic and heritable forms are tested..

Submission:

All of Us Research Program, National Institutes of Health
Classification: Likely benign for Retinoblastoma. Last evaluated: 2023-10-02. Review status: criteria provided, single submitter. Criteria: ACMG Guidelines, 2015. Collection method: clinical testing. Allele origin: germline. Inheritance: Autosomal dominant inheritance. Observed: 1 variant allele, 1 heterozygote.
Comment: This study involves interpretation of variants in research participants for the purpose of population health screening. Participant phenotype was not available at the time of variant classification. Additional details can be found in publication PMID: 35346344, PMCID: PMC8962531

NM_000321.3(RB1):c.2388C>G (p.Pro796=)

Gene: RB1 (RB transcriptional corepressor 1; plus strand). Cytogenetic location: 13q14.2.
Variant type: single nucleotide variant.
Coding change: c.2388C>G on transcript NM_000321.3 (MANE Select); coding-DNA position 2388, C replaced by G.
Protein change: p.Pro796=; no amino-acid change (proline 796 retained).
Molecular consequence: synonymous variant.
Genome position (GRCh38, 1-based): chr13:48,465,267, C>G. VCF-style: chr13-48465267-C-G. GRCh37 (hg19) VCF-style: chr13-49039403-C-G.
Other names: c.2388C>G, p.Pro796= (NM_001407165.1).
Identifiers: ClinVar variation 3073650 (VCV003073650.1), dbSNP rs2542375854, ClinGen allele CA483740235.